The following is an entry in ClinVar:

ClinVar aggregate classification (germline): Conflicting classifications of pathogenicity. Review status: criteria provided, conflicting classifications (1 of 4 stars). 4 submissions from 4 submitters: Uncertain significance (3); Likely benign (1). Last evaluated 2026-05-05.

Conditions:
Combined oxidative phosphorylation defect type 14. Also called: Combined oxidative phosphorylation deficiency 14. Identifiers: Orphanet 319519, MedGen C4755312, MONDO:0013986, OMIM 614946.
Inborn genetic diseases. Identifiers: MedGen C0950123, MeSH D030342.

Allele frequency attached by ClinVar (database versions not stated): gnomAD exomes 0.00003 and 0.00007; ExAC 0.00011; gnomAD 0.00034 and 0.00038; TOPMed 0.00045; ESP Exome Variant Server 0.00046.
gnomAD v4.1: 97 of 1,613,966 alleles (0.006%); highest among the groups gnomAD compares: African/African-American, 0.097%; 1 homozygote.

Submissions (4):

GeneDx
Classification: Uncertain significance. Last evaluated: 2026-05-05. Review status: criteria provided, single submitter. Criteria: GeneDx Variant Classification Process June 2021. Collection method: clinical testing. Allele origin: germline.
Comment: In silico analysis suggests that this missense variant does not alter protein structure/function; Has not been previously published as pathogenic or benign to our knowledge

Labcorp Genetics (formerly Invitae), Labcorp
Classification: Likely benign for Combined oxidative phosphorylation defect type 14. Last evaluated: 2026-01-19. Review status: criteria provided, single submitter. Criteria: Invitae Variant Classification Sherloc (09022015). Collection method: clinical testing. Allele origin: germline.

Blueprint Genetics
Classification: Uncertain significance. Last evaluated: 2022-06-23. Review status: criteria provided, single submitter. Criteria: ACMG Guidelines, 2015. Collection method: clinical testing. Allele origin: germline.

Ambry Genetics
Classification: Uncertain significance for Inborn genetic diseases. Last evaluated: 2021-08-13. Review status: criteria provided, single submitter. Criteria: Ambry Variant Classification Scheme 2023. Collection method: clinical testing. Allele origin: germline.

NM_006567.5(FARS2):c.267C>G (p.Ile89Met)

Genes: FARS2 (phenylalanyl-tRNA synthetase 2, mitochondrial; plus strand), LOC126859565 (CDK7 strongly-dependent group 2 enhancer GRCh37_chr6:5368745-5369944; plus strand). Cytogenetic location: 6p25.1.
Variant type: single nucleotide variant.
Coding change: c.267C>G on transcript NM_006567.5 (MANE Select); coding-DNA position 267, C replaced by G.
Protein change: p.Ile89Met; replaces isoleucine 89 with methionine.
Molecular consequence: missense variant. On other transcripts: intron variant (2).
Genome position (GRCh38, 1-based): chr6:5,368,837, C>G. VCF-style: chr6-5368837-C-G. GRCh37 (hg19) VCF-style: chr6-5369070-C-G.
Other names: c.267C>G, p.Ile89Met (NM_001318872.2, NM_001374875.1, NM_001374876.1 and 5 more transcripts); c.-340-27796C>G (NM_001375260.1); c.-84-35705C>G (NM_001375259.1); short protein forms I89M.
Identifiers: ClinVar variation 855187 (VCV000855187.14), dbSNP rs143959504, ClinGen allele CA3623616.